The following is an entry in ClinVar:

ClinVar aggregate classification (germline): Uncertain significance. Review status: criteria provided, multiple submitters, no conflicts (2 of 4 stars). 3 submissions from 3 submitters: Uncertain significance (3). Last evaluated 2024-08-08.

Conditions:
Cardiovascular phenotype. Identifiers: MedGen CN230736.

Allele frequency attached by ClinVar (database versions not stated): TOPMed 0.00002; gnomAD exomes 0.00003.
gnomAD v4.1: 43 of 1,550,132 alleles (0.0028%); highest among the groups gnomAD compares: South Asian, 0.013%; 1 homozygote.

Submissions (3):

Labcorp Genetics (formerly Invitae), Labcorp
Classification: Uncertain significance. Last evaluated: 2024-08-08. Review status: criteria provided, single submitter. Criteria: Invitae Variant Classification Sherloc (09022015). Collection method: clinical testing. Allele origin: germline.
Comment: This sequence change creates a premature translational stop signal (p.Arg3634*) in the ZNF469 gene. While this is not anticipated to result in nonsense mediated decay, it is expected to disrupt the last 292 amino acid(s) of the ZNF469 protein. This variant is present in population databases (no rsID available, gnomAD 0.009%). This variant has not been reported in the literature in individuals affected with ZNF469-related conditions. ClinVar contains an entry for this variant (Variation ID: 488961). In summary, the available evidence is currently insufficient to determine the role of this variant in disease. Therefore, it has been classified as a Variant of Uncertain Significance.

Ambry Genetics
Classification: Uncertain significance for Cardiovascular phenotype. Last evaluated: 2024-08-07. Review status: criteria provided, single submitter. Criteria: Ambry Variant Classification Scheme 2023. Collection method: clinical testing. Allele origin: germline.
Comment: The p.R3634* variant (also known as c.10900C>T), located in coding exon 2 of the ZNF469 gene, results from a C to T substitution at nucleotide position 10900. This changes the amino acid from an arginine to a stop codon within coding exon 2. This alteration occurs at the 3' terminus of theZNF469 gene, is not expected to trigger nonsense-mediated mRNAdecay, and only impacts the last 7% of the protein. The exact functional effect of this alteration is unknown. Since supporting evidence is limited at this time, the clinical significance of this alteration remains unclear.

GeneDx
Classification: Uncertain significance. Last evaluated: 2023-11-20. Review status: criteria provided, single submitter. Criteria: GeneDx Variant Classification Process June 2021. Collection method: clinical testing. Allele origin: germline. Affected: yes.
Comment: Not observed at significant frequency in large population cohorts (gnomAD); Nonsense variant predicted to result in protein truncation as the last 292 amino acids are lost, although loss-of-function variants have not been reported downstream of this position in the protein; Has not been previously published as pathogenic or benign to our knowledge

NM_001367624.2(ZNF469):c.10984C>T (p.Arg3662Ter)

Gene: ZNF469 (zinc finger protein 469; plus strand). Cytogenetic location: 16q24.2.
Variant type: single nucleotide variant.
Coding change: c.10984C>T on transcript NM_001367624.2 (MANE Select); coding-DNA position 10984, C replaced by T.
Protein change: p.Arg3662Ter; replaces arginine 3662 with a stop codon.
Molecular consequence: nonsense.
Genome position (GRCh38, 1-based): chr16:88,438,454, C>T. VCF-style: chr16-88438454-C-T. GRCh37 (hg19) VCF-style: chr16-88504862-C-T.
Other names: NM_001127464.1:c.10900C>T; short protein forms R3662*.
Identifiers: ClinVar variation 488961 (VCV000488961.4), dbSNP rs1171824548, ClinGen allele CA397128727.